The following is an entry in ClinVar:

NM_004656.4(BAP1):c.1250+1G>A

Gene: BAP1 (BRCA1 associated deubiquitinase 1; minus strand). Cytogenetic location: 3p21.1.
Variant type: single nucleotide variant.
Coding change: c.1250+1G>A on transcript NM_004656.4 (MANE Select); the canonical splice donor site of the intron after coding-DNA position 1250, G replaced by A.
Molecular consequence: splice donor variant.
Genome position (GRCh38, 1-based): chr3:52,404,452, C>T on the plus strand (G>A on the coding strand, the complement: BAP1 is on the minus strand). VCF-style: chr3-52404452-C-T. GRCh37 (hg19) VCF-style: chr3-52438468-C-T.
Other names: c.1196+1G>A (NM_001410772.1).
Identifiers: ClinVar variation 2450418 (VCV002450418.2), dbSNP rs2153226822, ClinGen allele CA353102685.

ClinVar aggregate classification (germline): Uncertain significance (1 of 4 stars; one submission).

Conditions:
Hereditary cancer-predisposing syndrome. Also called: Neoplastic Syndromes, Hereditary; Tumor predisposition; Hereditary neoplastic syndrome; Hereditary Cancer Syndrome. Identifiers: Orphanet 140162, MedGen C0027672, MeSH D009386, MONDO:0015356.

Submission:

Ambry Genetics
Classification: Uncertain significance for Hereditary cancer-predisposing syndrome. Last evaluated: 2022-11-29. Review status: criteria provided, single submitter. Criteria: Ambry Variant Classification Scheme 2023. Collection method: clinical testing. Allele origin: germline.
Comment: The c.1250+1G>A intronic variant results from a G to A substitution one nucleotide after coding exon 12 of the BAP1 gene. Alterations that disrupt the canonical splice site are expected to cause aberrant splicing, resulting in an abnormal protein or a transcript that is subject to nonsense-mediated mRNA decay. This nucleotide position is highly conserved in available vertebrate species. In silico splice site analysis predicts that this alteration will weaken the native splice donor site and will result in the creation or strengthening of a novel splice donor site. RNA studies have demonstrated that this alteration results in a transcript predicted to lead to a protein with an in-frame insertion of nine amino acids; however, the exact functional impact of the inserted amino acids is unknown at this time (Ambry internal data). Since supporting evidence is limited at this time, the clinical significance of this alteration remains unclear.